The following is an entry in ClinVar:

ClinVar aggregate classification (germline): Uncertain significance (1 of 4 stars; one submission).

Conditions:
X-linked Alport syndrome (ATS1). Also called: NEPHROPATHY AND DEAFNESS, X-LINKED; COL4A5-Related Nephropathy. Identifiers: Orphanet 63, Orphanet 88917, MedGen C4746986, MONDO:0010520, OMIM 301050.

Submission:

MVZ Medizinische Genetik Mainz
Classification: Uncertain significance for X-linked Alport syndrome. Last evaluated: 2024-10-07. Review status: criteria provided, single submitter. Criteria: UK Practice Guidelines For Variant Classification V4 01 2020. Collection method: clinical testing. Allele origin: germline. Inheritance: X-linked dominant inheritance. Affected: yes. Observed: 1 variant allele.
Comment: ACMG Criteria: PM4,PM2_SUP,PP4

NM_033380.3(COL4A5):c.3581_3598dup (p.Gly1199_Leu1200insProProGlyLeuProGly)

Gene: COL4A5 (collagen type IV alpha 5 chain; plus strand). Cytogenetic location: Xq22.3.
Variant type: Duplication.
Coding change: c.3581_3598dup on transcript NM_033380.3 (MANE Select); coding-DNA positions 3581 to 3598, 18 bases duplicated (CCCCTGGACTTCCAGGAC).
Protein change: p.Gly1199_Leu1200insProProGlyLeuProGly.
Molecular consequence: inframe insertion.
Genome position (GRCh38, 1-based): chrX:108,667,160-108,667,177, CCCCTGGACTTCCAGGAC duplicated; duplicating any 18 consecutive bases within chrX:108,667,153-108,667,177 gives the same sequence; the c. name uses the placement nearest the transcript's 3' end. VCF-style (leftmost placement, unchanged base first): chrX-108667152-C-CCCAGGACCCCCTGGACTT. GRCh37 (hg19) VCF-style: chrX-107910382-C-CCCAGGACCCCCTGGACTT.
Other names: c.3581_3598dup, p.Gly1199_Leu1200insProProGlyLeuProGly (NM_000495.5).
Identifiers: ClinVar variation 3370327 (VCV003370327.1).